The following is an entry in ClinVar:

ClinVar aggregate classification (germline): Benign (1 of 4 stars; one submission).

Conditions:
Holoprosencephaly 11 (HPE11). Identifiers: Orphanet 2162, MedGen C3280215, MONDO:0013642, OMIM 614226.

Allele frequency attached by ClinVar (database versions not stated): gnomAD 0.00655 and 0.00689; TOPMed 0.00767; 1000 Genomes Project 30x 0.00828; 1000 Genomes Project 0.00819.

Submission:

Illumina Laboratory Services, Illumina
Classification: Benign for Holoprosencephaly 11. Last evaluated: 2018-01-12. Review status: criteria provided, single submitter. Criteria: ICSL Variant Classification Criteria 13 December 2019. Collection method: clinical testing. Allele origin: germline.
Comment: This variant was observed in the ICSL laboratory as part of a predisposition screen in an ostensibly healthy population. It had not been previously curated by ICSL or reported in the Human Gene Mutation Database (HGMD: prior to June 1st, 2018), and was therefore a candidate for classification through an automated scoring system. Utilizing variant allele frequency, disease prevalence and penetrance estimates, and inheritance mode, an automated score was calculated to assess if this variant is too frequent to cause the disease. Based on the score and internal cut-off values, a variant classified as benign is not then subjected to further curation. The score for this variant resulted in a classification of benign for this disease.

NM_001378964.1(CDON):c.*3424T>C

Gene: CDON (cell adhesion associated, oncogene regulated; minus strand). Cytogenetic location: 11q24.2.
Variant type: single nucleotide variant.
Coding change: c.*3424T>C on transcript NM_001378964.1 (MANE Select); 3424 bases downstream of the stop codon, T replaced by C.
Molecular consequence: 3 prime UTR variant.
Genome position (GRCh38, 1-based): chr11:125,957,518, A>G on the plus strand (T>C on the coding strand, the complement: CDON is on the minus strand). VCF-style: chr11-125957518-A-G. GRCh37 (hg19) VCF-style: chr11-125827413-A-G.
Other names: c.*3424T>C (NM_001243597.3, NM_016952.6).
Identifiers: ClinVar variation 303387 (VCV000303387.5), dbSNP rs147791703, ClinGen allele CA10638275.